The following is an entry in ClinVar:

ClinVar aggregate classification (germline): Pathogenic. Review status: criteria provided, multiple submitters, no conflicts (2 of 4 stars). 3 submissions from 3 submitters: Pathogenic (3). Last evaluated 2025-06-28.

Conditions:
Hereditary cancer-predisposing syndrome. Also called: Neoplastic Syndromes, Hereditary; Hereditary Cancer Syndrome; Tumor predisposition; Hereditary neoplastic syndrome. Identifiers: Orphanet 140162, MedGen C0027672, MeSH D009386, MONDO:0015356.
Familial cancer of breast. Also called: hereditary breast carcinoma; Hereditary breast cancer; BREAST CANCER, FAMILIAL. Identifiers: Orphanet 227535, MedGen C0346153, MONDO:0016419, OMIM 114480. Disease mechanism: loss of function.

Submissions (3):

Ambry Genetics
Classification: Pathogenic for Hereditary cancer-predisposing syndrome. Last evaluated: 2025-06-28. Review status: criteria provided, single submitter. Criteria: Ambry Variant Classification Scheme 2023. Collection method: clinical testing. Allele origin: germline.
Comment: The c.1187_1196del10insTTG pathogenic mutation, located in coding exon 4 of the BARD1 gene, results from the deletion of 10 nucleotides and insertion of 3 nucleotides causing a translational frameshift with a predicted alternate stop codon (p.P396Lfs*10). This variant is considered to be rare based on population cohorts in the Genome Aggregation Database (gnomAD). This alteration is expected to result in loss of function by premature protein truncation or nonsense-mediated mRNA decay. As such, this alteration is interpreted as a disease-causing mutation.

Labcorp Genetics (formerly Invitae), Labcorp
Classification: Pathogenic for Familial cancer of breast. Last evaluated: 2023-11-01. Review status: criteria provided, single submitter. Criteria: Invitae Variant Classification Sherloc (09022015). Collection method: clinical testing. Allele origin: germline.
Comment: This sequence change creates a premature translational stop signal (p.Pro396Leufs*10) in the BARD1 gene. It is expected to result in an absent or disrupted protein product. Loss-of-function variants in BARD1 are known to be pathogenic (PMID: 20077502, 21344236). Information on the frequency of this variant in the gnomAD database is not available, as this variant may be reported differently in the database. This variant has not been reported in the literature in individuals affected with BARD1-related conditions. For these reasons, this variant has been classified as Pathogenic.

Myriad Genetics, Inc.
Classification: Pathogenic for Familial cancer of breast. Last evaluated: 2023-06-27. Review status: criteria provided, single submitter. Criteria: Myriad Autosomal Dominant, Autosomal Recessive and X-Linked Classification Criteria (2023). Collection method: clinical testing. Allele origin: unknown.
Comment: This variant is considered pathogenic. This variant creates a frameshift predicted to result in premature protein truncation.

Literature cited by the submitters: PubMed 20077502 (cited by Labcorp Genetics (formerly Invitae), Labcorp); PubMed 21344236 (cited by Labcorp Genetics (formerly Invitae), Labcorp).

NM_000465.4(BARD1):c.1187_1196delinsTTG (p.Pro396fs)

Gene: BARD1 (BRCA1 associated RING domain 1; minus strand). Cytogenetic location: 2q35.
Variant type: Indel.
Coding change: c.1187_1196delinsTTG on transcript NM_000465.4 (MANE Select); coding-DNA positions 1187 to 1196, CTTCTACATT replaced by TTG.
Protein change: p.Pro396fs; shifts the reading frame from proline 396.
Molecular consequence: frameshift variant. On other transcripts: non-coding transcript variant (2), intron variant (3).
Genome position (GRCh38, 1-based): chr2:214,780,678-214,780,687, AATGTAGAAG replaced by CAA on the plus strand (CTTCTACATT replaced by TTG on the coding strand, the reverse complement: BARD1 is on the minus strand). VCF-style: chr2-214780678-AATGTAGAAG-CAA. GRCh37 (hg19) VCF-style: chr2-215645402-AATGTAGAAG-CAA.
Other names: c.1130_1139delinsTTG, p.Pro377fs (NM_001282543.2); c.159-28132_159-28123delinsTTG (NM_001282548.2); c.215+16374_215+16383delinsTTG (NM_001282545.2); c.364+11610_364+11619delinsTTG (NM_001282549.2); short protein forms P377fs, P396fs.
Identifiers: ClinVar variation 969189 (VCV000969189.12), dbSNP rs1694949382, ClinGen allele CA1139655702.